The following is an entry in ClinVar:

ClinVar aggregate classification (germline): Likely benign (1 of 4 stars; one submission).

gnomAD v4.1: 1,123 of 1,589,234 alleles (0.071%); highest among the groups gnomAD compares: Non-Finnish European, 0.09%; no homozygotes.

Submission:

CeGaT Center for Human Genetics Tuebingen
Classification: Likely benign. Last evaluated: 2024-11-01. Review status: criteria provided, single submitter. Criteria: CeGaT Center For Human Genetics Tuebingen Variant Classification Criteria Version 2. Collection method: clinical testing. Allele origin: germline. Affected: yes. Observed: 1 variant allele.
Comment: KIF23: BP4, BS2

NM_001367805.3(KIF23):c.-2C>T

Genes: KIF23 (kinesin family member 23; plus strand), KIF23-AS1 (KIF23 and PAQR5 antisense RNA 1; minus strand). Cytogenetic location: 15q23.
Variant type: single nucleotide variant.
Coding change: c.-2C>T on transcript NM_001367805.3 (MANE Select); 2 bases upstream of the start codon, C replaced by T.
Molecular consequence: 5 prime UTR variant. On other transcripts: non-coding transcript variant (5).
Genome position (GRCh38, 1-based): chr15:69,414,464, C>T. VCF-style: chr15-69414464-C-T. GRCh37 (hg19) VCF-style: chr15-69706803-C-T.
Other names: c.-195C>T (NM_001281301.2); c.-2C>T (NM_001367804.2, NM_004856.7, NM_138555.4).
Identifiers: ClinVar variation 3388365 (VCV003388365.14).